The following is an entry in ClinVar:

ClinVar aggregate classification (germline): Uncertain significance (1 of 4 stars; one submission).

Conditions:
Hereditary cancer-predisposing syndrome. Also called: Neoplastic Syndromes, Hereditary; Tumor predisposition; Hereditary Cancer Syndrome; Hereditary neoplastic syndrome. Identifiers: Orphanet 140162, MedGen C0027672, MeSH D009386, MONDO:0015356.

Submission:

Ambry Genetics
Classification: Uncertain significance for Hereditary cancer-predisposing syndrome. Last evaluated: 2025-08-15. Review status: criteria provided, single submitter. Criteria: Ambry Variant Classification Scheme 2023. Collection method: clinical testing. Allele origin: germline.
Comment: The p.V382I variant (also known as c.1144G>A), located in coding exon 8 of the ATM gene, results from a G to A substitution at nucleotide position 1144. The valine at codon 382 is replaced by isoleucine, an amino acid with highly similar properties. This amino acid position is conserved. In addition, this alteration is predicted to be tolerated by in silico analysis. Based on the available evidence, the clinical significance of this variant remains unclear.

NM_000051.4(ATM):c.1144G>A (p.Val382Ile)

Gene: ATM (ATM serine/threonine kinase; plus strand). Cytogenetic location: 11q22.3.
Variant type: single nucleotide variant.
Coding change: c.1144G>A on transcript NM_000051.4 (MANE Select); coding-DNA position 1144, G replaced by A.
Protein change: p.Val382Ile; replaces valine 382 with isoleucine.
Molecular consequence: missense variant.
Genome position (GRCh38, 1-based): chr11:108,249,011, G>A. VCF-style: chr11-108249011-G-A. GRCh37 (hg19) VCF-style: chr11-108119738-G-A.
Other names: c.1144G>A, p.Val382Ile (NM_001351834.2); short protein forms V382I.
Identifiers: ClinVar variation 4170049 (VCV004170049.1).